The following is an entry in ClinVar:

NM_002335.4(LRP5):c.4285G>A (p.Gly1429Arg)

Gene: LRP5 (LDL receptor related protein 5; plus strand). Cytogenetic location: 11q13.2.
Variant type: single nucleotide variant.
Coding change: c.4285G>A on transcript NM_002335.4 (MANE Select); coding-DNA position 4285, G replaced by A.
Protein change: p.Gly1429Arg; replaces glycine 1429 with arginine.
Molecular consequence: missense variant.
Genome position (GRCh38, 1-based): chr11:68,438,619, G>A. VCF-style: chr11-68438619-G-A. GRCh37 (hg19) VCF-style: chr11-68206087-G-A.
Other names: c.2542G>A, p.Gly848Arg (NM_001291902.2); short protein forms G848R, G1429R.
Identifiers: ClinVar variation 2752224 (VCV002752224.3), dbSNP rs201210158, ClinGen allele CA224254766.
Genomic context (GRCh38, chr11:68,438,619, plus strand): 5'-CGCGTGGTGTGCCAGCGCTATGCGGGGGCCAACGGGCCCTTCCCGCACGAGTATGTCAGC[G>A]GGACCCCGCACGTGCCCCTCAATTTCATAGCCCCGGGCGGTTCCCAGCATGGCCCCTTCA-3'
Protein context (NP_002326.2, residues 1419-1439): NGPFPHEYVS[Gly1429Arg]TPHVPLNFIA

ClinVar aggregate classification (germline): Uncertain significance (1 of 4 stars; one submission).

Allele frequency attached by ClinVar (database versions not stated): gnomAD 0.00001; 1000 Genomes Project 30x 0.00016; 1000 Genomes Project 0.00020.
gnomAD v4.1: 7 of 1,613,656 alleles (0.00043%); highest among the groups gnomAD compares: South Asian, 0.0022%; no homozygotes.

Submission:

Labcorp Genetics (formerly Invitae), Labcorp
Classification: Uncertain significance. Last evaluated: 2024-03-02. Review status: criteria provided, single submitter. Criteria: Invitae Variant Classification Sherloc (09022015). Collection method: clinical testing. Allele origin: germline.
Comment: This sequence change replaces glycine, which is neutral and non-polar, with arginine, which is basic and polar, at codon 1429 of the LRP5 protein (p.Gly1429Arg). This variant is not present in population databases (gnomAD no frequency). This variant has not been reported in the literature in individuals affected with LRP5-related conditions. Advanced modeling of protein sequence and biophysical properties (such as structural, functional, and spatial information, amino acid conservation, physicochemical variation, residue mobility, and thermodynamic stability) performed at Invitae indicates that this missense variant is not expected to disrupt LRP5 protein function with a negative predictive value of 95%. In summary, the available evidence is currently insufficient to determine the role of this variant in disease. Therefore, it has been classified as a Variant of Uncertain Significance.